The following is an entry in ClinVar:

ClinVar aggregate classification (germline): Uncertain significance (1 of 4 stars; one submission).

Conditions:
Inborn genetic diseases. Identifiers: MedGen C0950123, MeSH D030342.

Submission:

Ambry Genetics
Classification: Uncertain significance for Inborn genetic diseases. Last evaluated: 2026-08-29. Review status: criteria provided, single submitter. Criteria: Ambry Variant Classification Scheme 2023. Collection method: clinical testing. Allele origin: germline.
Comment: The p.Q1288K variant (also known as c.3862C>A), located in coding exon 26 of the ANKRD26 gene, results from a C to A substitution at nucleotide position 3862. The glutamine at codon 1288 is replaced by lysine, an amino acid with similar properties. This amino acid position is conserved. In addition, this alteration is predicted to be tolerated by in silico analysis. Based on the available evidence, the clinical significance of this variant remains unclear.

NM_014915.3(ANKRD26):c.3862C>A (p.Gln1288Lys)

Gene: ANKRD26 (ankyrin repeat domain 26; minus strand). Cytogenetic location: 10p12.1.
Variant type: single nucleotide variant.
Coding change: c.3862C>A on transcript NM_014915.3 (MANE Select); coding-DNA position 3862, C replaced by A.
Protein change: p.Gln1288Lys; replaces glutamine 1288 with lysine.
Molecular consequence: missense variant.
Genome position (GRCh38, 1-based): chr10:27,029,302, G>T on the plus strand (C>A on the coding strand, the complement: ANKRD26 is on the minus strand). VCF-style: chr10-27029302-G-T. GRCh37 (hg19) VCF-style: chr10-27318231-G-T.
Other names: c.3859C>A, p.Gln1287Lys (NM_001256053.2); short protein forms Q1287K, Q1288K.
Identifiers: ClinVar variation 5023702 (VCV005023702.1).